The following is an entry in ClinVar:

NM_001006658.3(CR2):c.1334T>G (p.Leu445Arg)

Gene: CR2 (complement C3d receptor 2; plus strand). Cytogenetic location: 1q32.2.
Variant type: single nucleotide variant.
Coding change: c.1334T>G on transcript NM_001006658.3 (MANE Select); coding-DNA position 1334, T replaced by G.
Protein change: p.Leu445Arg; replaces leucine 445 with arginine.
Molecular consequence: missense variant.
Genome position (GRCh38, 1-based): chr1:207,470,848, T>G. VCF-style: chr1-207470848-T-G. GRCh37 (hg19) VCF-style: chr1-207644193-T-G.
Other names: c.1334T>G, p.Leu445Arg (NM_001877.5); short protein forms L445R.
Identifiers: ClinVar variation 1522213 (VCV001522213.8), dbSNP rs2102304234, ClinGen allele CA344530421.

ClinVar aggregate classification (germline): Uncertain significance (1 of 4 stars; one submission).

Conditions:
Immunodeficiency, common variable, 7. Identifiers: Orphanet 1572, Orphanet 696894, MedGen C3542922, MONDO:0013862, OMIM 614699.

gnomAD v4.1: 1 of 1,613,942 alleles (0.000062%); highest among the groups gnomAD compares: Non-Finnish European, 0.000085%; no homozygotes.

Submission:

Labcorp Genetics (formerly Invitae), Labcorp
Classification: Uncertain significance for Immunodeficiency, common variable, 7. Last evaluated: 2022-02-05. Review status: criteria provided, single submitter. Criteria: Invitae Variant Classification Sherloc (09022015). Collection method: clinical testing. Allele origin: germline.
Comment: In summary, the available evidence is currently insufficient to determine the role of this variant in disease. Therefore, it has been classified as a Variant of Uncertain Significance. Algorithms developed to predict the effect of missense changes on protein structure and function are either unavailable or do not agree on the potential impact of this missense change (SIFT: "Deleterious"; PolyPhen-2: "Probably Damaging"; Align-GVGD: "Class C0"). This variant has not been reported in the literature in individuals affected with CR2-related conditions. This variant is not present in population databases (gnomAD no frequency). This sequence change replaces leucine, which is neutral and non-polar, with arginine, which is basic and polar, at codon 445 of the CR2 protein (p.Leu445Arg).